The following is an entry in ClinVar:

ClinVar aggregate classification (germline): Uncertain significance (1 of 4 stars; one submission).

Conditions:
Hereditary breast ovarian cancer syndrome. Also called: Hereditary breast and ovarian cancer syndrome; Hereditary breast and ovarian cancer syndrome (HBOC); Hereditary breast and/or ovarian cancer syndrome; Hereditary breast and ovarian cancer; Breast and ovarian cancer; BRCA1- and BRCA2-Associated Hereditary Breast and Ovarian Cancer. Identifiers: Orphanet 145, MedGen C0677776, MeSH D061325, MONDO:0003582. Disease mechanism: loss of function.

Submission:

Labcorp Genetics (formerly Invitae), Labcorp
Classification: Uncertain significance for Hereditary breast ovarian cancer syndrome. Last evaluated: 2024-01-26. Review status: criteria provided, single submitter. Criteria: Invitae Variant Classification Sherloc (09022015). Collection method: clinical testing. Allele origin: germline.
Comment: This variant, c.4417_4425del, results in the deletion of 3 amino acid(s) of the BRCA2 protein (p.Asn1473_Met1475del), but otherwise preserves the integrity of the reading frame. This variant is not present in population databases (gnomAD no frequency). This variant has not been reported in the literature in individuals affected with BRCA2-related conditions. Experimental studies and prediction algorithms are not available or were not evaluated, and the functional significance of this variant is currently unknown. In summary, the available evidence is currently insufficient to determine the role of this variant in disease. Therefore, it has been classified as a Variant of Uncertain Significance.

NM_000059.4(BRCA2):c.4417_4425del (p.Asn1473_Met1475del)

Gene: BRCA2 (BRCA2 DNA repair associated; plus strand). Cytogenetic location: 13q13.1.
Variant type: Deletion.
Coding change: c.4417_4425del on transcript NM_000059.4 (MANE Select); coding-DNA positions 4417 to 4425, 9 bases deleted (AACAAAATG; older notation c.4417_4425delAACAAAATG).
Protein change: p.Asn1473_Met1475del.
Molecular consequence: inframe deletion. On other transcripts: non-coding transcript variant (1), intron variant (2).
Genome position (GRCh38, 1-based): chr13:32,338,772-32,338,780, AACAAAATG deleted; deleting any 9 consecutive bases within chr13:32,338,771-32,338,780 gives the same sequence; the c. name uses the placement nearest the transcript's 3' end. VCF-style (leftmost placement, unchanged base first): chr13-32338770-AGAACAAAAT-A. GRCh37 (hg19) VCF-style: chr13-32912907-AGAACAAAAT-A.
Other names: c.4417_4425del, p.Asn1473_Met1475del (NM_001406719.1, NM_001406720.1); c.1909+5385_1909+5393del (NM_001406721.1); c.425-5786_425-5778del (NM_001406722.1).
Identifiers: ClinVar variation 2711634 (VCV002711634.3), dbSNP rs2548528327, ClinGen allele CA2697551736.
Genomic context (GRCh38, chr13:32,338,770, plus strand): 5'-AGAAACCAGAAGAATTGCATAACTTTTCCTTAAATTCTGAATTACATTCTGACATAAGAA[AGAACAAAAT>A]GGACATTCTAAGTTATGAGGAAACAGACATAGTTAAACACAAAATACTGAAAGAAAGTGT-3'